The following is an entry in ClinVar:

ClinVar aggregate classification (germline): Uncertain significance (1 of 4 stars; one submission).

Conditions:
Epidermolysis bullosa simplex with nail dystrophy (EBS5D). Identifiers: MedGen C4225309, MONDO:0014661, OMIM 616487.
Epidermolysis bullosa simplex, Ogna type (EBS5A). Also called: Pidermolysis bullosa simplex 5A, Ogna type; EPIDERMOLYSIS BULLOSA SIMPLEX 5A, OGNA TYPE. Identifiers: Orphanet 79401, MedGen C0432317, MONDO:0007555, OMIM 131950.
Epidermolysis bullosa simplex 5B, with muscular dystrophy (EBS5B). Also called: Epidermolysis bullosa simplex with muscular dystrophy; EPIDERMOLYSIS BULLOSA SIMPLEX AND LIMB-GIRDLE MUSCULAR DYSTROPHY. Identifiers: Orphanet 257, MedGen C2931072, MONDO:0009181, OMIM 226670.
Autosomal recessive limb-girdle muscular dystrophy type 2Q (LGMDR17). Also called: MUSCULAR DYSTROPHY, LIMB-GIRDLE, AUTOSOMAL RECESSIVE 17. Identifiers: Orphanet 254361, MedGen C3150989, MONDO:0013390, OMIM 613723.
Epidermolysis bullosa simplex 5C, with pyloric atresia (EBS5C). Also called: PLEC-Related Epidermolysis Bullosa with Pyloric Atresia; Epidermolysis bullosa simplex with pyloric atresia; PLEC1-Related Epidermolysis Bullosa with Pyloric Atresia. Identifiers: Orphanet 158684, MedGen C2677349, MONDO:0012807, OMIM 612138.

Submission:

Labcorp Genetics (formerly Invitae), Labcorp
Classification: Uncertain significance for Autosomal recessive limb-girdle muscular dystrophy type 2Q; Epidermolysis bullosa simplex, Ogna type; Epidermolysis bullosa simplex with nail dystrophy; Epidermolysis bullosa simplex 5C, with pyloric atresia; Epidermolysis bullosa simplex 5B, with muscular dystrophy. Last evaluated: 2025-08-23. Review status: criteria provided, single submitter. Criteria: Invitae Variant Classification Sherloc (09022015). Collection method: clinical testing. Allele origin: germline.
Comment: This sequence change replaces serine, which is neutral and polar, with threonine, which is neutral and polar, at codon 2268 of the PLEC protein (p.Ser2268Thr). This variant is not present in population databases (gnomAD no frequency). This variant has not been reported in the literature in individuals affected with PLEC-related conditions. An algorithm developed to predict the effect of missense changes on protein structure and function (PolyPhen-2) suggests that this variant is likely to be disruptive. In summary, the available evidence is currently insufficient to determine the role of this variant in disease. Therefore, it has been classified as a Variant of Uncertain Significance.

NM_201384.3(PLEC):c.6722G>C (p.Ser2241Thr)

Gene: PLEC (plectin; minus strand). Cytogenetic location: 8q24.3.
Variant type: single nucleotide variant.
Coding change: c.6722G>C on transcript NM_201384.3 (MANE Select); coding-DNA position 6722, G replaced by C.
Protein change: p.Ser2241Thr; replaces serine 2241 with threonine.
Molecular consequence: missense variant. On other transcripts: intron variant (1).
Genome position (GRCh38, 1-based): chr8:143,923,207, C>G on the plus strand (G>C on the coding strand, the complement: PLEC is on the minus strand). VCF-style: chr8-143923207-C-G. GRCh37 (hg19) VCF-style: chr8-144997375-C-G.
Other names: c.6803G>C, p.Ser2268Thr (NM_000445.5); c.6680G>C, p.Ser2227Thr (NM_201378.4); c.6656G>C, p.Ser2219Thr (NM_201379.3); c.7133G>C, p.Ser2378Thr (NM_201380.4); c.6626G>C, p.Ser2209Thr (NM_201381.3); c.6722G>C, p.Ser2241Thr (NM_201382.4); c.6734G>C, p.Ser2245Thr (NM_201383.3); c.4126-812G>C (NM_001410941.1); short protein forms S2227T, S2245T, S2241T, S2209T, S2219T, S2268T, S2378T.
Identifiers: ClinVar variation 4785371 (VCV004785371.1).